The following is an entry in ClinVar:

NM_000023.4(SGCA):c.271G>T (p.Gly91Cys)

Gene: SGCA (sarcoglycan alpha; plus strand). Cytogenetic location: 17q21.33.
Variant type: single nucleotide variant.
Coding change: c.271G>T on transcript NM_000023.4 (MANE Select); coding-DNA position 271, G replaced by T.
Protein change: p.Gly91Cys; replaces glycine 91 with cysteine.
Molecular consequence: missense variant. On other transcripts: non-coding transcript variant (1).
Genome position (GRCh38, 1-based): chr17:50,167,695, G>T. VCF-style: chr17-50167695-G-T. GRCh37 (hg19) VCF-style: chr17-48245056-G-T.
Other names: c.271G>T, p.Gly91Cys (NM_001135697.3); short protein forms G91C.
Identifiers: ClinVar variation 538661 (VCV000538661.11), dbSNP rs890921874, ClinGen allele CA291536150.

ClinVar aggregate classification (germline): Conflicting classifications of pathogenicity. Review status: criteria provided, conflicting classifications (1 of 4 stars). 2 submissions from 2 submitters: Likely pathogenic (1); Uncertain significance (1). Last evaluated 2022-07-19.

Conditions:
Autosomal recessive limb-girdle muscular dystrophy type 2D (LGMDR3). Also called: DUCHENNE-LIKE AUTOSOMAL RECESSIVE MUSCULAR DYSTROPHY, TYPE 2; ADHALINOPATHY, PRIMARY; MUSCULAR DYSTROPHY, LIMB-GIRDLE, AUTOSOMAL RECESSIVE 3. Identifiers: Orphanet 62, MedGen C2936332, MONDO:0011968, OMIM 608099. Disease mechanism: Affects gamma-sarcoglycan and also disrupts the integrity of the entire sarcoglycan complex..

Submissions (2):

Labcorp Genetics (formerly Invitae), Labcorp
Classification: Likely pathogenic for Autosomal recessive limb-girdle muscular dystrophy type 2D. Last evaluated: 2022-07-19. Review status: criteria provided, single submitter. Criteria: Invitae Variant Classification Sherloc (09022015). Collection method: clinical testing. Allele origin: germline.
Comment: This sequence change replaces glycine, which is neutral and non-polar, with cysteine, which is neutral and slightly polar, at codon 91 of the SGCA protein (p.Gly91Cys). This variant is not present in population databases (gnomAD no frequency). This missense change has been observed in individual(s) with limb-girdle muscular dystrophy (Invitae). In at least one individual the data is consistent with being in trans (on the opposite chromosome) from a pathogenic variant. ClinVar contains an entry for this variant (Variation ID: 538661). Advanced modeling of protein sequence and biophysical properties (such as structural, functional, and spatial information, amino acid conservation, physicochemical variation, residue mobility, and thermodynamic stability) performed at Invitae indicates that this missense variant is expected to disrupt SGCA protein function. This variant disrupts the p.Gly91 amino acid residue in SGCA. Other variant(s) that disrupt this residue have been observed in individuals with SGCA-related conditions (PMID: 17994539), which suggests that this may be a clinically significant amino acid residue. In summary, the currently available evidence indicates that the variant is pathogenic, but additional data are needed to prove that conclusively. Therefore, this variant has been classified as Likely Pathogenic.

Revvity Omics, Revvity
Classification: Uncertain significance for Autosomal recessive limb-girdle muscular dystrophy type 2D. Last evaluated: 2019-02-15. Review status: criteria provided, single submitter. Criteria: ACMG Guidelines, 2015. Collection method: clinical testing. Allele origin: germline.

Literature cited by the submitters: PubMed 17994539 (cited by Labcorp Genetics (formerly Invitae), Labcorp).